The following is an entry in ClinVar:

ClinVar aggregate classification (germline): Uncertain significance (1 of 4 stars; one submission).

Conditions:
Diamond-Blackfan anemia. Also called: Blackfan Diamond syndrome; Aregenerative anemia chronic congenital; Red cell aplasia, pure hereditary; Congenital hypoplastic anemia; Aase syndrome. Identifiers: Orphanet 124, MedGen C1260899, MeSH D029503, MONDO:0015253, HP:0004810.

gnomAD v4.1: 2 of 1,613,970 alleles (0.00012%); highest among the groups gnomAD compares: Non-Finnish European, 0.00017%; no homozygotes.

Submission:

Labcorp Genetics (formerly Invitae), Labcorp
Classification: Uncertain significance for Diamond-Blackfan anemia. Last evaluated: 2025-07-17. Review status: criteria provided, single submitter. Criteria: Invitae Variant Classification Sherloc (09022015). Collection method: clinical testing. Allele origin: germline.
Comment: This sequence change replaces methionine, which is neutral and non-polar, with threonine, which is neutral and polar, at codon 47 of the RPS24 protein (p.Met47Thr). This variant is not present in population databases (gnomAD no frequency). This variant has not been reported in the literature in individuals affected with RPS24-related conditions. An algorithm developed to predict the effect of missense changes on protein structure and function (PolyPhen-2) suggests that this variant is likely to be tolerated. In summary, the available evidence is currently insufficient to determine the role of this variant in disease. Therefore, it has been classified as a Variant of Uncertain Significance.

NM_033022.4(RPS24):c.140T>C (p.Met47Thr)

Gene: RPS24 (ribosomal protein S24; plus strand). Cytogenetic location: 10q22.3.
Variant type: single nucleotide variant.
Coding change: c.140T>C on transcript NM_033022.4 (MANE Select); coding-DNA position 140, T replaced by C.
Protein change: p.Met47Thr; replaces methionine 47 with threonine.
Molecular consequence: missense variant.
Genome position (GRCh38, 1-based): chr10:78,035,581, T>C. VCF-style: chr10-78035581-T-C. GRCh37 (hg19) VCF-style: chr10-79795339-T-C.
Other names: c.140T>C, p.Met47Thr (NM_001026.5, NM_001142282.2, NM_001142283.2 and 2 more transcripts); short protein forms M47T.
Identifiers: ClinVar variation 4805726 (VCV004805726.1).
Genomic context (GRCh38, chr10:78,035,581, plus strand): 5'-TCCTTCACCCCGGGAAGGCGACAGTGCCTAAGACAGAAATTCGGGAAAAACTAGCCAAAA[T>C]GTACAAGACCACACCGGATGTCATCTTTGTATTTGGATTCAGAACTCATTTTGGTGGTGG-3'
Protein context (NP_148982.1, residues 37-57): KTEIREKLAK[Met47Thr]YKTTPDVIFV